The following is an entry in ClinVar:

ClinVar aggregate classification (germline): Uncertain significance. Review status: criteria provided, multiple submitters, no conflicts (2 of 4 stars). 2 submissions from 2 submitters: Uncertain significance (2). Last evaluated 2025-10-06.

Allele frequency attached by ClinVar (database versions not stated): TOPMed 0.00001.

Submissions (2):

Dasa
Classification: Uncertain significance. Last evaluated: 2025-10-06. Review status: criteria provided, single submitter. Criteria: DASA Assertion Criteria. Collection method: clinical testing. Allele origin: germline.
Comment: NM_006231.4(POLE):c.6403G>T (p.Val2135Phe) is a missense variant that results in the substitution of valine with phenylalanine. This variant is absent from population databases. The currently available literature and clinical evidence are not sufficient to establish a definitive association between this variant and the reported condition. Therefore, this variant is classified as a variant of uncertain significance.

Labcorp Genetics (formerly Invitae), Labcorp
Classification: Uncertain significance. Last evaluated: 2022-09-01. Review status: criteria provided, single submitter. Criteria: Invitae Variant Classification Sherloc (09022015). Collection method: clinical testing. Allele origin: germline.
Comment: In summary, the available evidence is currently insufficient to determine the role of this variant in disease. Therefore, it has been classified as a Variant of Uncertain Significance. Algorithms developed to predict the effect of missense changes on protein structure and function are either unavailable or do not agree on the potential impact of this missense change (SIFT: "Tolerated"; PolyPhen-2: "Probably Damaging"; Align-GVGD: "Class C0"). ClinVar contains an entry for this variant (Variation ID: 240593). This variant has not been reported in the literature in individuals affected with POLE-related conditions. This variant is not present in population databases (gnomAD no frequency). This sequence change replaces valine, which is neutral and non-polar, with phenylalanine, which is neutral and non-polar, at codon 2135 of the POLE protein (p.Val2135Phe).

NM_006231.4(POLE):c.6403G>T (p.Val2135Phe)

Gene: POLE (DNA polymerase epsilon, catalytic subunit; minus strand). Cytogenetic location: 12q24.33.
Variant type: single nucleotide variant.
Coding change: c.6403G>T on transcript NM_006231.4 (MANE Select); coding-DNA position 6403, G replaced by T.
Protein change: p.Val2135Phe; replaces valine 2135 with phenylalanine.
Molecular consequence: missense variant.
Genome position (GRCh38, 1-based): chr12:132,626,245, C>A on the plus strand (G>T on the coding strand, the complement: POLE is on the minus strand). VCF-style: chr12-132626245-C-A. GRCh37 (hg19) VCF-style: chr12-133202831-C-A.
Other names: short protein forms V2135F.
Identifiers: ClinVar variation 240593 (VCV000240593.10), dbSNP rs878854891, ClinGen allele CA10582970.